The following is an entry in ClinVar:

NM_001042492.3(NF1):c.2736A>G (p.Gln912=)

Gene: NF1 (neurofibromin 1; plus strand). Cytogenetic location: 17q11.2.
Variant type: single nucleotide variant.
Coding change: c.2736A>G on transcript NM_001042492.3 (MANE Select); coding-DNA position 2736, A replaced by G.
Protein change: p.Gln912=; no amino-acid change (glutamine 912 retained).
Molecular consequence: synonymous variant.
Genome position (GRCh38, 1-based): chr17:31,229,351, A>G. VCF-style: chr17-31229351-A-G. GRCh37 (hg19) VCF-style: chr17-29556369-A-G.
Other names: c.2736A>G, p.Gln912= (NM_000267.4).
Identifiers: ClinVar variation 186030 (VCV000186030.16), dbSNP rs760097413, ClinGen allele CA193662.

ClinVar aggregate classification (germline): Benign/Likely benign. Review status: criteria provided, multiple submitters, no conflicts (2 of 4 stars). 6 submissions from 6 submitters: Benign (1); Likely benign (5). Last evaluated 2026-05-18.

Conditions:
Hereditary cancer-predisposing syndrome. Also called: Tumor predisposition; Neoplastic Syndromes, Hereditary; Hereditary neoplastic syndrome; Hereditary Cancer Syndrome. Identifiers: Orphanet 140162, MedGen C0027672, MeSH D009386, MONDO:0015356.
Neurofibromatosis, type 1 (NF1). Also called: NEUROFIBROMATOSIS, TYPE I, SOMATIC; Peripheral type neurofibromatosis; VON RECKLINGHAUSEN DISEASE; Neurofibromatosis, type I. Identifiers: Orphanet 636, MedGen C0027831, MONDO:0018975, OMIM 162200. Disease mechanism: loss of function.

Allele frequency attached by ClinVar (database versions not stated): gnomAD exomes below 0.00001 and 0.00001; ExAC 0.00001.
gnomAD v4.1: 2 of 1,613,940 alleles (0.00012%); highest among the groups gnomAD compares: Admixed American, 0.0033%; no homozygotes.

Submissions (6):

Myriad Genetics, Inc.
Classification: Benign for Neurofibromatosis, type 1. Last evaluated: 2026-05-18. Review status: criteria provided, single submitter. Criteria: Myriad Autosomal Dominant, Autosomal Recessive and X-Linked Classification Criteria (2023). Collection method: clinical testing. Allele origin: unknown.
Comment: This variant is considered benign. This variant is a silent/synonymous amino acid change and it is not expected to impact splicing.

Labcorp Genetics (formerly Invitae), Labcorp
Classification: Likely benign for Neurofibromatosis, type 1. Last evaluated: 2025-12-03. Review status: criteria provided, single submitter. Criteria: Invitae Variant Classification Sherloc (09022015). Collection method: clinical testing. Allele origin: germline.

Quest Diagnostics Nichols Institute San Juan Capistrano
Classification: Likely benign. Last evaluated: 2025-11-10. Review status: criteria provided, single submitter. Criteria: Quest Diagnostics criteria. Collection method: clinical testing. Allele origin: unknown.

Blueprint Genetics
Classification: Likely benign. Last evaluated: 2022-08-31. Review status: criteria provided, single submitter. Criteria: ACMG Guidelines, 2015. Collection method: clinical testing. Allele origin: germline.

Genome-Nilou Lab
Classification: Likely benign for Neurofibromatosis, type 1. Last evaluated: 2022-03-15. Review status: criteria provided, single submitter. Criteria: ACMG Guidelines, 2015. Collection method: clinical testing. Allele origin: germline. Affected: no.

Ambry Genetics
Classification: Likely benign for Hereditary cancer-predisposing syndrome. Last evaluated: 2014-08-29. Review status: criteria provided, single submitter. Criteria: Ambry Autosomal Dominant and X-Linked criteria (10/2015). Collection method: clinical testing. Allele origin: germline. Observed: 1 variant allele.